The following is an entry in ClinVar:

ClinVar aggregate classification (germline): Likely benign. Review status: criteria provided, multiple submitters, no conflicts (2 of 4 stars). 2 submissions from 2 submitters: Likely benign (2). Last evaluated 2026-07-30.

Conditions:
PMP22-related disorder. Also called: PMP22-related condition; PMP22-related disorders.
Charcot-Marie-Tooth disease, type I (CMT1). Also called: Charcot-Marie-Tooth, Type 1; Charcot-Marie-Tooth disease type 1. Identifiers: Orphanet 65753, MedGen C0751036, MONDO:0019011.

gnomAD v4.1: 7 of 1,614,000 alleles (0.00043%); highest among the groups gnomAD compares: African/African-American, 0.004%; no homozygotes.

Submissions (2):

PreventionGenetics, part of Exact Sciences
Classification: Likely benign for PMP22-related condition. Last evaluated: 2026-07-30. Review status: criteria provided, single submitter. Criteria: ACMG Guidelines, 2015. Collection method: clinical testing. Allele origin: germline.
Comment: This variant is classified as likely benign based on ACMG/AMP sequence variant interpretation guidelines (Richards et al. 2015 PMID: 25741868, with internal and published modifications).

Labcorp Genetics (formerly Invitae), Labcorp
Classification: Likely benign for Charcot-Marie-Tooth disease, type I. Last evaluated: 2025-03-27. Review status: criteria provided, single submitter. Criteria: Invitae Variant Classification Sherloc (09022015). Collection method: clinical testing. Allele origin: germline.

NM_000304.4(PMP22):c.384G>A (p.Ser128=)

Gene: PMP22 (peripheral myelin protein 22; minus strand). Cytogenetic location: 17p12.
Variant type: single nucleotide variant.
Coding change: c.384G>A on transcript NM_000304.4 (MANE Select); coding-DNA position 384, G replaced by A.
Protein change: p.Ser128=; no amino-acid change (serine 128 retained).
Molecular consequence: synonymous variant. On other transcripts: non-coding transcript variant (2).
Genome position (GRCh38, 1-based): chr17:15,231,016, C>T on the plus strand (G>A on the coding strand, the complement: PMP22 is on the minus strand). VCF-style: chr17-15231016-C-T. GRCh37 (hg19) VCF-style: chr17-15134333-C-T.
Other names: c.384G>A, p.Ser128= (NM_001281455.2, NM_001281456.2, NM_153321.3 and 1 more transcripts); c.384G>A (NM_000304.3).
Identifiers: ClinVar variation 4739173 (VCV004739173.2).